The following is an entry in ClinVar:

ClinVar aggregate classification (germline): Likely benign. Review status: criteria provided, multiple submitters, no conflicts (2 of 4 stars). 3 submissions from 3 submitters: Likely benign (3). Last evaluated 2026-02-22.

Conditions:
LAMA3-related disorder. Also called: LAMA3-related disorders; LAMA3-related condition.

Allele frequency attached by ClinVar (database versions not stated): gnomAD 0.00144 and 0.00150; gnomAD exomes 0.00040 and 0.00018; TOPMed 0.00181; ExAC 0.00046; 1000 Genomes Project 0.00260; ESP Exome Variant Server 0.00154; 1000 Genomes Project 30x 0.00281.
gnomAD v4.1: 520 of 1,614,202 alleles (0.032%); highest among the groups gnomAD compares: African/African-American, 0.48%; 2 homozygotes.

Submissions (3):

PreventionGenetics, part of Exact Sciences
Classification: Likely benign for LAMA3-related condition. Last evaluated: 2026-02-22. Review status: criteria provided, single submitter. Criteria: ACMG Guidelines, 2015. Collection method: clinical testing. Allele origin: germline.
Comment: This variant is classified as likely benign based on ACMG/AMP sequence variant interpretation guidelines (Richards et al. 2015 PMID: 25741868, with internal and published modifications).

Labcorp Genetics (formerly Invitae), Labcorp
Classification: Likely benign. Last evaluated: 2024-08-29. Review status: criteria provided, single submitter. Criteria: Invitae Variant Classification Sherloc (09022015). Collection method: clinical testing. Allele origin: germline.

CeGaT Center for Human Genetics Tuebingen
Classification: Likely benign. Last evaluated: 2023-02-01. Review status: criteria provided, single submitter. Criteria: CeGaT Center For Human Genetics Tuebingen Variant Classification Criteria Version 2. Collection method: clinical testing. Allele origin: germline. Affected: yes. Observed: 1 variant allele.
Comment: LAMA3: BP4

NM_198129.4(LAMA3):c.4160G>A (p.Arg1387Gln)

Gene: LAMA3 (laminin subunit alpha 3; plus strand). Cytogenetic location: 18q11.2.
Variant type: single nucleotide variant.
Coding change: c.4160G>A on transcript NM_198129.4 (MANE Select); coding-DNA position 4160, G replaced by A.
Protein change: p.Arg1387Gln; replaces arginine 1387 with glutamine.
Molecular consequence: missense variant.
Genome position (GRCh38, 1-based): chr18:23,857,867, G>A. VCF-style: chr18-23857867-G-A. GRCh37 (hg19) VCF-style: chr18-21437831-G-A.
Other names: c.4160G>A, p.Arg1387Gln (NM_001127717.4); short protein forms R1387Q.
Identifiers: ClinVar variation 786338 (VCV000786338.32), dbSNP rs112861599, ClinGen allele CA8915524.